The following is an entry in ClinVar:

ClinVar aggregate classification (germline): Likely pathogenic (1 of 4 stars; one submission).

Submission:

Labcorp Genetics (formerly Invitae), Labcorp
Classification: Likely pathogenic. Last evaluated: 2020-08-25. Review status: criteria provided, single submitter. Criteria: Invitae Variant Classification Sherloc (09022015). Collection method: clinical testing. Allele origin: germline.
Comment: This variant results in a copy number gain of the genomic region encompassing exon(s) 14 of the PCDH15 gene. While the exact position of this variant cannot be determined from the data, sub-genic copy number gains are generally in tandem (PMID: 25640679). This variant is predicted to be out-of-frame, and may result in an absent or disrupted protein product. This variant has not been reported in the literature in individuals with PCDH15-related conditions. Loss-of-function variants in PCDH15 are known to be pathogenic (PMID: 11398101, 11487575, 14570705). In summary, the currently available evidence indicates that the variant is pathogenic, but additional data are needed to prove that conclusively. Therefore, this variant has been classified as Likely Pathogenic.

Literature cited by the submitters: PubMed 25640679; PubMed 11398101; PubMed 11487575; PubMed 14570705.

NC_000010.10:g.(?_55912850)_(55935851_?)dup

Gene: PCDH15 (protocadherin related 15; minus strand). Cytogenetic location: 10q21.1.
Variant type: Duplication.
Identifiers: ClinVar variation 1067964 (VCV001067964.1).